The following is an entry in ClinVar:

ClinVar aggregate classification (germline): Pathogenic/Likely pathogenic. Review status: criteria provided, multiple submitters, no conflicts (2 of 4 stars). 5 submissions from 5 submitters: Pathogenic (4); Likely pathogenic (1). Last evaluated 2025-01-23.

Conditions:
Neurofibromatosis, type 1 (NF1). Also called: Neurofibromatosis, type I; VON RECKLINGHAUSEN DISEASE; NEUROFIBROMATOSIS, TYPE I, SOMATIC; Peripheral type neurofibromatosis. Identifiers: Orphanet 636, MedGen C0027831, MONDO:0018975, OMIM 162200. Disease mechanism: loss of function.

Submissions (5):

GeneDx
Classification: Pathogenic. Last evaluated: 2025-01-23. Review status: criteria provided, single submitter. Criteria: GeneDx Variant Classification Process June 2021. Collection method: clinical testing. Allele origin: germline. Affected: yes.
Comment: Identified in patients with clinical features of neurofibromatosis type 1 in published literature, including as an apparently de novo variant in at least one patient (PMID: 16944272, 27322474, 31595648); Not observed at significant frequency in large population cohorts (gnomAD); In silico analysis supports that this missense variant has a deleterious effect on protein structure/function; This variant is associated with the following publications: (PMID: 24803665, 29936259, 28706617, 27322474, 23244495, 36373817, 16944272, 31595648, 25486365, 2121369, 22807134)

Genome-Nilou Lab
Classification: Likely pathogenic for Neurofibromatosis, type 1. Last evaluated: 2022-03-15. Review status: criteria provided, single submitter. Criteria: ACMG Guidelines, 2015. Collection method: clinical testing. Allele origin: germline. Affected: no.

Labcorp Genetics (formerly Invitae), Labcorp
Classification: Pathogenic for Neurofibromatosis, type 1. Last evaluated: 2019-08-23. Review status: criteria provided, single submitter. Criteria: Invitae Variant Classification Sherloc (09022015). Collection method: clinical testing. Allele origin: germline.
Comment: A different variant (c.3447G>T) giving rise to the same protein effect observed here (p.Met1149Ile) has been determined to be pathogenic (Invitae), indicating that this residue may be critical for protein function.. For these reasons, this variant has been classified as Pathogenic. This sequence change replaces methionine with isoleucine at codon 1149 of the NF1 protein (p.Met1149Ile). The methionine residue is moderately conserved and there is a small physicochemical difference between methionine and isoleucine. This variant is not present in population databases (ExAC no frequency). This variant has been reported in several individuals affected with neurofibromatosis type 1, being found to be de novo in one case (PMID: 16944272, 27322474). ClinVar contains an entry for this variant (Variation ID: 420079). Algorithms developed to predict the effect of missense changes on protein structure and function do not agree on the potential impact of this missense change (SIFT: "Tolerated"; PolyPhen-2: "Possibly Damaging"; Align-GVGD: "Class C0").

UAB Medical Genomics Laboratory, UAB Medicine
Classification: Pathogenic for Neurofibromatosis, type 1. Last evaluated: 2019-06-05. Review status: criteria provided, single submitter. Criteria: ACMG Guidelines, 2015. Collection method: clinical testing. Allele origin: inherited. Affected: yes.

Center for Human Genetics, Inc
Classification: Pathogenic for Neurofibromatosis, type 1. Last evaluated: 2016-11-01. Review status: criteria provided, single submitter. Criteria: ACMG Guidelines, 2015. Collection method: clinical testing. Allele origin: germline. Affected: yes.

Literature cited by the submitters: PubMed 16944272 (cited by Labcorp Genetics (formerly Invitae), Labcorp); PubMed 27322474 (cited by Labcorp Genetics (formerly Invitae), Labcorp); PubMed 31595648 (cited by UAB Medical Genomics Laboratory, UAB Medicine); PubMed 29290338 (cited by UAB Medical Genomics Laboratory, UAB Medicine).

NM_001042492.3(NF1):c.3447G>A (p.Met1149Ile)

Gene: NF1 (neurofibromin 1; plus strand). Cytogenetic location: 17q11.2.
Variant type: single nucleotide variant.
Coding change: c.3447G>A on transcript NM_001042492.3 (MANE Select); coding-DNA position 3447, G replaced by A.
Protein change: p.Met1149Ile; replaces methionine 1149 with isoleucine.
Molecular consequence: missense variant.
Genome position (GRCh38, 1-based): chr17:31,232,832, G>A. VCF-style: chr17-31232832-G-A. GRCh37 (hg19) VCF-style: chr17-29559850-G-A.
Other names: c.3447G>A, p.Met1149Ile (NM_000267.4); short protein forms M1149I.
Identifiers: ClinVar variation 420079 (VCV000420079.13), dbSNP rs1064794277, ClinGen allele CA16620364.